The following is an entry in ClinVar:

ClinVar aggregate classification (germline): Uncertain significance (1 of 4 stars; one submission).

Submission:

Ambry Genetics
Classification: Uncertain significance. Last evaluated: 2023-01-11. Review status: criteria provided, single submitter. Criteria: Ambry Variant Classification Scheme 2023. Collection method: clinical testing. Allele origin: germline.
Comment: The p.N581Y variant (also known as c.1741A>T), located in coding exon 13 of the RECQL gene, results from an A to T substitution at nucleotide position 1741. The asparagine at codon 581 is replaced by tyrosine, an amino acid with dissimilar properties. This amino acid position is conserved. In addition, this alteration is predicted to be tolerated by in silico analysis. Since supporting evidence is limited at this time, the clinical significance of this alteration remains unclear.

NM_002907.4(RECQL):c.1741A>T (p.Asn581Tyr)

Genes: PYROXD1 (pyridine nucleotide-disulphide oxidoreductase domain 1; plus strand), RECQL (RecQ like helicase; minus strand). Cytogenetic location: 12p12.1.
Variant type: single nucleotide variant.
Coding change: c.1741A>T on transcript NM_002907.4 (MANE Select); coding-DNA position 1741, A replaced by T.
Protein change: p.Asn581Tyr; replaces asparagine 581 with tyrosine.
Molecular consequence: missense variant. On other transcripts: 3 prime UTR variant (3).
Genome position (GRCh38, 1-based): chr12:21,471,025, T>A on the plus strand (A>T on the coding strand, the complement: RECQL is on the minus strand). VCF-style: chr12-21471025-T-A. GRCh37 (hg19) VCF-style: chr12-21623959-T-A.
Other names: c.1741A>T, p.Asn581Tyr (NM_032941.3); c.*2271T>A (NM_001350912.2, NM_001350913.2, NM_024854.5); short protein forms N581Y.
Identifiers: ClinVar variation 2450977 (VCV002450977.2), dbSNP rs1400162004, ClinGen allele CA384114521.